The following is an entry in ClinVar:

ClinVar aggregate classification (germline): Likely pathogenic (1 of 4 stars; one submission).

Conditions:
Bardet-Biedl syndrome 2 (BBS2). Identifiers: Orphanet 110, MedGen C2936863, MONDO:0014432, OMIM 615981.

Submission:

Myriad Genetics, Inc.
Classification: Likely pathogenic for Bardet-Biedl syndrome 2. Last evaluated: 2022-05-09. Review status: criteria provided, single submitter. Criteria: Myriad Women's Health Autosomal Recessive and X-Linked Classification Criteria (2021). Collection method: clinical testing. Allele origin: unknown.
Comment: NM_031885.3(BBS2):c.309_310insCACA(D104Hfs*6) is expected to be pathogenic in the context of Bardet-Biedl syndrome, BBS2-related. This variant is predicted to lead to an abnormal or absent protein product due to the creation of a premature termination codon in BBS2, a gene where loss-of-function variants are known to be pathogenic. Please note: this variant was assessed in the context of healthy population screening.

NM_031885.5(BBS2):c.309_310insCACA (p.Asp104fs)

Gene: BBS2 (Bardet-Biedl syndrome 2; minus strand). Cytogenetic location: 16q13.
Variant type: Insertion.
Coding change: c.309_310insCACA on transcript NM_031885.5 (MANE Select); coding-DNA positions 309 to 310, CACA inserted.
Protein change: p.Asp104fs; shifts the reading frame from aspartic acid 104.
Molecular consequence: frameshift variant. On other transcripts: non-coding transcript variant (5).
Genome position: GRCh38 VCF-style: chr16-56514488-C-CTGTG. GRCh37 (hg19) VCF-style: chr16-56548400-C-CTGTG.
Other names: c.309_310insCACA, p.Asp104fs (NM_001377456.1); short protein forms D104fs.
Identifiers: ClinVar variation 1726040 (VCV001726040.2), dbSNP rs2543741194, ClinGen allele CA2580091651.